The following is an entry in ClinVar:

NM_001042492.3(NF1):c.6590_6591del (p.Phe2197fs)

Gene: NF1 (neurofibromin 1; plus strand). Cytogenetic location: 17q11.2.
Variant type: Deletion.
Coding change: c.6590_6591del on transcript NM_001042492.3 (MANE Select); coding-DNA positions 6590 to 6591, 2 bases deleted (TT; older notation c.6590_6591delTT).
Protein change: p.Phe2197fs; shifts the reading frame from phenylalanine 2197.
Molecular consequence: frameshift variant.
Genome position (GRCh38, 1-based): chr17:31,337,530-31,337,531, TT deleted; deleting any 2 consecutive bases within chr17:31,337,528-31,337,531 gives the same sequence; the c. name uses the placement nearest the transcript's 3' end. VCF-style (leftmost placement, unchanged base first): chr17-31337527-CTT-C. GRCh37 (hg19) VCF-style: chr17-29664545-CTT-C.
Other names: c.6527_6528delTT (NM_000267.3); c.6527_6528delTT, p.Phe2176Cysfs (NM_000267.4); short protein forms F2197fs, F2176fs.
Identifiers: ClinVar variation 861239 (VCV000861239.12), dbSNP rs2069707755, ClinGen allele CA645572245.

ClinVar aggregate classification (germline): Pathogenic. Review status: criteria provided, multiple submitters, no conflicts (2 of 4 stars). 4 submissions from 4 submitters: Pathogenic (4). Last evaluated 2024-12-09.
ClinVar aggregate classification (oncogenicity): Oncogenic (1 of 4 stars; one submission).

Conditions:
Hereditary cancer-predisposing syndrome. Also called: Hereditary neoplastic syndrome; Tumor predisposition; Neoplastic Syndromes, Hereditary; Hereditary Cancer Syndrome. Identifiers: Orphanet 140162, MedGen C0027672, MeSH D009386, MONDO:0015356.
Cardiovascular phenotype. Identifiers: MedGen CN230736.
Neurofibromatosis, type 1 (NF1). Also called: Neurofibromatosis, type I; VON RECKLINGHAUSEN DISEASE; Peripheral type neurofibromatosis; NEUROFIBROMATOSIS, TYPE I, SOMATIC. Identifiers: Orphanet 636, MedGen C0027831, MONDO:0018975, OMIM 162200. Disease mechanism: loss of function.
Neoplasm. Also called: Neoplasms; Neoplasm (disease); tumor. Identifiers: MedGen C0027651, MeSH D009369, MONDO:0005070, HP:0002664.

Submissions (5):

Center for Genomic Medicine, Rigshospitalet, Copenhagen University Hospital
Classification: Oncogenic for Neoplasm. Last evaluated: 2025-12-29. Review status: criteria provided, single submitter. Criteria: ClinGen/CGC/VICC Guidelines for Oncogenicity, 2022. Collection method: clinical testing. Allele origin: somatic. Affected: yes.

Labcorp Genetics (formerly Invitae), Labcorp
Classification: Pathogenic for Neurofibromatosis, type 1. Last evaluated: 2024-12-09. Review status: criteria provided, single submitter. Criteria: Invitae Variant Classification Sherloc (09022015). Collection method: clinical testing. Allele origin: germline.
Comment: This sequence change creates a premature translational stop signal (p.Phe2176Cysfs*44) in the NF1 gene. It is expected to result in an absent or disrupted protein product. Loss-of-function variants in NF1 are known to be pathogenic (PMID: 10712197, 23913538). This variant is not present in population databases (gnomAD no frequency). This premature translational stop signal has been observed in individual(s) with neurofibromatosis type 1 (PMID: 23758643). It has also been observed to segregate with disease in related individuals. This variant is also known as c.6525_6528delTT. ClinVar contains an entry for this variant (Variation ID: 861239). For these reasons, this variant has been classified as Pathogenic.

3billion
Classification: Pathogenic for Neurofibromatosis, type 1. Last evaluated: 2022-03-22. Review status: criteria provided, single submitter. Criteria: ACMG Guidelines, 2015. Collection method: clinical testing. Allele origin: germline. Affected: yes. Observed: 1 heterozygote.
Comment: Frameshift: predicted to result in a loss or disruption of normal protein function through nonsense-mediated decay (NMD) or protein truncation. Multiple pathogenic variants are reported downstream of the variant.It is not observed in the gnomAD v2.1.1 dataset. This variant has been reported as pathogenic (ClinVar ID: VCV000861239, PMID:23758643). Therefore, this variant is classified as pathogenic according to the recommendation of ACMG/AMP guideline.

Genome-Nilou Lab
Classification: Pathogenic for Neurofibromatosis, type 1. Last evaluated: 2022-03-15. Review status: criteria provided, single submitter. Criteria: ACMG Guidelines, 2015. Collection method: clinical testing. Allele origin: germline. Affected: no.

Ambry Genetics
Classification: Pathogenic for Cardiovascular phenotype; Hereditary cancer-predisposing syndrome. Last evaluated: 2022-03-08. Review status: criteria provided, single submitter. Criteria: Ambry Variant Classification Scheme 2023. Collection method: clinical testing. Allele origin: germline.
Comment: The c.6527_6528delTT variant, located in coding exon 42 of the NF1 gene, results from a deletion of two nucleotides at nucleotide positions 6527 to 6528, causing a translational frameshift with a predicted alternate stop codon (p.F2176Cfs*44). This alteration has been observed in patients with personal histories consistent with Neurofibromatosis type 1 (Bolcekova A et al. Neoplasma, 2013;60:655-65; Nemethova M et al. Ann Hum Genet, 2013 Sep;77:364-79; Zhang J et al. Sci Rep, 2015 Jun;5:11291). In addition to the clinical data presented in the literature, this alteration is expected to result in loss of function by premature protein truncation or nonsense-mediated mRNA decay. As such, this alteration is interpreted as a disease-causing mutation.

Literature cited by the submitters: PubMed 23758643 (cited by 3 submitters); PubMed 10712197 (cited by Labcorp Genetics (formerly Invitae), Labcorp); PubMed 23913538 (cited by Labcorp Genetics (formerly Invitae), Labcorp).